The following is an entry in ClinVar:

ClinVar aggregate classification (germline): Pathogenic (1 of 4 stars; one submission).

Submission:

Labcorp Genetics (formerly Invitae), Labcorp
Classification: Pathogenic. Last evaluated: 2022-08-31. Review status: criteria provided, single submitter. Criteria: Invitae Variant Classification Sherloc (09022015). Collection method: clinical testing. Allele origin: germline.
Comment: This variant has not been reported in the literature in individuals affected with ACO2-related conditions. ClinVar contains an entry for this variant (Variation ID: 1435000). This variant is not present in population databases (gnomAD no frequency). This sequence change creates a premature translational stop signal (p.Tyr334*) in the ACO2 gene. It is expected to result in an absent or disrupted protein product. Loss-of-function variants in ACO2 are known to be pathogenic (PMID: 30689204, 32519519). Algorithms developed to predict the effect of sequence changes on RNA splicing suggest that this variant may create or strengthen a splice site. For these reasons, this variant has been classified as Pathogenic.

Literature cited by the submitters: PubMed 30689204; PubMed 32519519.

NM_001098.3(ACO2):c.1002T>A (p.Tyr334Ter)

Gene: ACO2 (aconitase 2; plus strand). Cytogenetic location: 22q13.2.
Variant type: single nucleotide variant.
Coding change: c.1002T>A on transcript NM_001098.3 (MANE Select); coding-DNA position 1002, T replaced by A.
Protein change: p.Tyr334Ter; replaces tyrosine 334 with a stop codon.
Molecular consequence: nonsense.
Genome position (GRCh38, 1-based): chr22:41,518,542, T>A. VCF-style: chr22-41518542-T-A. GRCh37 (hg19) VCF-style: chr22-41914546-T-A.
Other names: short protein forms Y334*.
Identifiers: ClinVar variation 1435000 (VCV001435000.6), dbSNP rs2146128577, ClinGen allele CA411723134.